The following is an entry in ClinVar:

ClinVar aggregate classification (germline): Uncertain significance (1 of 4 stars; one submission).

Allele frequency attached by ClinVar (database versions not stated): TOPMed below 0.00001.

Submission:

GeneDx
Classification: Uncertain significance. Last evaluated: 2020-01-22. Review status: criteria provided, single submitter. Criteria: GeneDx Variant Classification Process June 2021. Collection method: clinical testing. Allele origin: germline. Affected: yes.
Comment: Not observed in large population cohorts (Lek et al., 2016); In silico analysis, which includes protein predictors and evolutionary conservation, supports that this variant does not alter protein structure/function; Has not been previously published as pathogenic or benign to our knowledge

NM_003036.4(SKI):c.1098C>G (p.Ser366Arg)

Gene: SKI (SKI proto-oncogene; plus strand). Cytogenetic location: 1p36.32.
Variant type: single nucleotide variant.
Coding change: c.1098C>G on transcript NM_003036.4 (MANE Select); coding-DNA position 1098, C replaced by G.
Protein change: p.Ser366Arg; replaces serine 366 with arginine.
Molecular consequence: missense variant.
Genome position (GRCh38, 1-based): chr1:2,303,287, C>G. VCF-style: chr1-2303287-C-G. GRCh37 (hg19) VCF-style: chr1-2234726-C-G.
Other names: short protein forms S366R.
Identifiers: ClinVar variation 451982 (VCV000451982.4), dbSNP rs1553200726, ClinGen allele CA337954306.
Genomic context (GRCh38, chr1:2,303,287, plus strand): 5'-GACATGAAGTGGCTTGTTTTTCTCCTGGTCACTCACACAGACAACTCTTTCTCGACAGAG[C>G]CTGGGCTGTGTTCACCCTCGCCAGCGCCTCTCTGCTTTCCGACCCTGGTCCCCCGCAGTG-3'
Protein context (NP_003027.1, residues 356-376): LRTLAGSSNK[Ser366Arg]LGCVHPRQRL